The following is an entry in ClinVar:

ClinVar aggregate classification (germline): Uncertain significance (1 of 4 stars; one submission).

Conditions:
AGO2-related disorder. Also called: AGO2-related condition.

Submission:

PreventionGenetics, part of Exact Sciences
Classification: Uncertain significance for AGO2-related condition. Last evaluated: 2026-04-30. Review status: criteria provided, single submitter. Criteria: ACMG Guidelines, 2015. Collection method: clinical testing. Allele origin: germline.
Comment: The AGO2 c.124G>A variant is predicted to result in the amino acid substitution p.Ala42Thr. To our knowledge, this variant has not been reported in the literature. This variant is reported in 0.0054% of alleles in individuals of East Asian descent in gnomAD. At this time, the clinical significance of this variant is uncertain due to the absence of conclusive functional and genetic evidence.

NM_012154.5(AGO2):c.124G>A (p.Ala42Thr)

Gene: AGO2 (argonaute RISC catalytic component 2; minus strand). Cytogenetic location: 8q24.3.
Variant type: single nucleotide variant.
Coding change: c.124G>A on transcript NM_012154.5 (MANE Select); coding-DNA position 124, G replaced by A.
Protein change: p.Ala42Thr; replaces alanine 42 with threonine.
Molecular consequence: missense variant.
Genome position (GRCh38, 1-based): chr8:140,585,210, C>T on the plus strand (G>A on the coding strand, the complement: AGO2 is on the minus strand). VCF-style: chr8-140585210-C-T. GRCh37 (hg19) VCF-style: chr8-141595309-C-T.
Other names: c.124G>A, p.Ala42Thr (NM_001164623.3); short protein forms A42T.
Identifiers: ClinVar variation 4979775 (VCV004979775.1).
Genomic context (GRCh38, chr8:140,585,210, plus strand): 5'-TGATATCCAATTCATAATGATAGATGTCAATTTTGGGGATGTCCATTTCGAAGAAATTGG[C>T]CTGTAATTTGATTGTTCTCCCGGAGGTCCCAAAGTCGGGTCTAGGTGGAGGCTTGAAGGC-3'
Protein context (NP_036286.2, residues 32-52): GTSGRTIKLQ[Ala42Thr]NFFEMDIPKI